The following is an entry in ClinVar:

NM_001289104.2(PRKCSH):c.893_894del (p.Thr298fs)

Gene: PRKCSH (PRKCSH beta subunit of glucosidase II; plus strand). Cytogenetic location: 19p13.2.
Variant type: Deletion.
Coding change: c.893_894del on transcript NM_001289104.2 (MANE Select); coding-DNA positions 893 to 894, 2 bases deleted (CG; older notation c.893_894delCG).
Protein change: p.Thr298fs; shifts the reading frame from threonine 298.
Molecular consequence: frameshift variant.
Genome position (GRCh38, 1-based): chr19:11,447,482-11,447,483, CG deleted. VCF-style (leftmost placement, unchanged base first): chr19-11447481-ACG-A. GRCh37 (hg19) VCF-style: chr19-11558296-ACG-A.
Other names: c.893_894del, p.Thr298fs (NM_001001329.3, NM_001289102.2, NM_001289103.2 and 3 more transcripts); short protein forms T298fs.
Identifiers: ClinVar variation 4796555 (VCV004796555.2).

ClinVar aggregate classification (germline): Likely pathogenic (1 of 4 stars; one submission).

Conditions:
Polycystic liver disease 1 (PCLD1). Also called: Polycystic liver disease 1 with or without kidney cysts. Identifiers: Orphanet 2924, MedGen C0887850, MONDO:0008265, OMIM 174050.

Submission:

Juno Genomics, Hangzhou Juno Genomics, Inc
Classification: Likely pathogenic for Polycystic liver disease 1. Review status: criteria provided, single submitter. Criteria: ACMG Guidelines, 2015. Collection method: clinical testing. Allele origin: germline.
Comment: Absent from controls (or at extremely low frequency if recessive) in Genome Aggregation Database.;Null variant in a gene where loss of function (LOF) is a known mechanism of disease.